The following is an entry in ClinVar:

ClinVar aggregate classification (germline): Uncertain significance (1 of 4 stars; one submission).

Conditions:
Adenylosuccinate lyase deficiency (ADSLD). Also called: ADSL DEFICIENCY. Identifiers: Orphanet 46, MedGen C0268126, MONDO:0007068, OMIM 103050.

Submission:

Labcorp Genetics (formerly Invitae), Labcorp
Classification: Uncertain significance for Adenylosuccinate lyase deficiency. Last evaluated: 2022-07-25. Review status: criteria provided, single submitter. Criteria: Invitae Variant Classification Sherloc (09022015). Collection method: clinical testing. Allele origin: germline.
Comment: This variant is not present in population databases (gnomAD no frequency). In summary, the available evidence is currently insufficient to determine the role of this variant in disease. Therefore, it has been classified as a Variant of Uncertain Significance. Experimental studies and prediction algorithms are not available or were not evaluated, and the functional significance of this variant is currently unknown. This variant has not been reported in the literature in individuals affected with ADSL-related conditions. This variant occurs in a non-coding region of the ADSL gene. It does not change the encoded amino acid sequence of the ADSL protein.

NC_000022.11:g.40345803dup

Gene: ADSL (adenylosuccinate lyase; plus strand). Cytogenetic location: 22q13.1.
Variant type: Duplication.
Genome position: GRCh38 VCF-style: chr22-40345797-A-AT. GRCh37 (hg19) VCF-style: chr22-40741801-A-AT.
Identifiers: ClinVar variation 1349156 (VCV001349156.5), dbSNP rs1165283078, ClinGen allele CA753179672.